The following is an entry in ClinVar:

NM_014874.4(MFN2):c.2218T>A (p.Trp740Arg)

Gene: MFN2 (mitofusin 2; plus strand). Cytogenetic location: 1p36.22.
Variant type: single nucleotide variant.
Coding change: c.2218T>A on transcript NM_014874.4 (MANE Select); coding-DNA position 2218, T replaced by A.
Protein change: p.Trp740Arg; replaces tryptophan 740 with arginine.
Molecular consequence: missense variant.
Genome position (GRCh38, 1-based): chr1:12,011,509, T>A. VCF-style: chr1-12011509-T-A. GRCh37 (hg19) VCF-style: chr1-12071566-T-A.
Other names: c.2218T>A, p.Trp740Arg (NM_001127660.2); short protein forms W740R.
Identifiers: ClinVar variation 572129 (VCV000572129.10), dbSNP rs1557539004, ClinGen allele CA338453866.

ClinVar aggregate classification (germline): Pathogenic (1 of 4 stars; one submission).

Conditions:
Charcot-Marie-Tooth disease type 2. Also called: Charcot-Marie-Tooth type 2. Identifiers: Orphanet 64746, MedGen C0270914, MONDO:0018993.

Submission:

Labcorp Genetics (formerly Invitae), Labcorp
Classification: Pathogenic for Charcot-Marie-Tooth disease type 2. Last evaluated: 2025-07-21. Review status: criteria provided, single submitter. Criteria: Invitae Variant Classification Sherloc (09022015). Collection method: clinical testing. Allele origin: germline.
Comment: This sequence change replaces tryptophan, which is neutral and slightly polar, with arginine, which is basic and polar, at codon 740 of the MFN2 protein (p.Trp740Arg). This variant is not present in population databases (gnomAD no frequency). This missense change has been observed in individuals with clinical features of Charcot-Marie-Tooth disease (PMID: 22762946, 26382835, 31453851; internal data). ClinVar contains an entry for this variant (Variation ID: 572129). Invitae Evidence Modeling of protein sequence and biophysical properties (such as structural, functional, and spatial information, amino acid conservation, physicochemical variation, residue mobility, and thermodynamic stability) indicates that this missense variant is not expected to disrupt MFN2 protein function with a negative predictive value of 80%. Algorithms developed to predict the effect of sequence changes on RNA splicing suggest that this variant may disrupt the consensus splice site. This variant disrupts the p.Trp740 amino acid residue in MFN2. Other variant(s) that disrupt this residue have been determined to be pathogenic (PMID: 15064763, 20008656, 24126688). This suggests that this residue is clinically significant, and that variants that disrupt this residue are likely to be disease-causing. For these reasons, this variant has been classified as Pathogenic.

Literature cited by the submitters: PubMed 22762946; PubMed 26382835; PubMed 31453851; PubMed 15064763; PubMed 20008656; PubMed 24126688.